The following is an entry in ClinVar:

NM_032551.5(KISS1R):c.291C>T (p.Pro97=)

Gene: KISS1R (KISS1 receptor; plus strand). Cytogenetic location: 19p13.3.
Variant type: single nucleotide variant.
Coding change: c.291C>T on transcript NM_032551.5 (MANE Select); coding-DNA position 291, C replaced by T.
Protein change: p.Pro97=; no amino-acid change (proline 97 retained).
Molecular consequence: synonymous variant.
Genome position (GRCh38, 1-based): chr19:918,590, C>T. VCF-style: chr19-918590-C-T. GRCh37 (hg19) VCF-style: chr19-918590-C-T.
Identifiers: ClinVar variation 513725 (VCV000513725.31), dbSNP rs150594098, ClinGen allele CA9028746.

ClinVar aggregate classification (germline): Benign/Likely benign. Review status: criteria provided, multiple submitters, no conflicts (2 of 4 stars). 4 submissions from 4 submitters: Benign (1); Likely benign (3). Last evaluated 2025-12-26.

Allele frequency attached by ClinVar (database versions not stated): 1000 Genomes Project 0.00020; 1000 Genomes Project 30x 0.00062; ESP Exome Variant Server 0.00089; TOPMed 0.00093; gnomAD exomes 0.00095; gnomAD 0.00114 and 0.00116; ExAC 0.00153.
gnomAD v4.1: 1,532 of 1,551,620 alleles (0.099%); highest among the groups gnomAD compares: Non-Finnish European, 0.11%; 4 homozygotes.

Submissions (4):

Labcorp Genetics (formerly Invitae), Labcorp
Classification: Benign. Last evaluated: 2025-12-26. Review status: criteria provided, single submitter. Criteria: Invitae Variant Classification Sherloc (09022015). Collection method: clinical testing. Allele origin: germline.

Blueprint Genetics
Classification: Likely benign. Last evaluated: 2024-11-26. Review status: criteria provided, single submitter. Criteria: ACMG Guidelines, 2015. Collection method: clinical testing. Allele origin: germline.

CeGaT Center for Human Genetics Tuebingen
Classification: Likely benign. Last evaluated: 2024-07-01. Review status: criteria provided, single submitter. Criteria: CeGaT Center For Human Genetics Tuebingen Variant Classification Criteria Version 2. Collection method: clinical testing. Allele origin: germline. Affected: yes. Observed: 1 variant allele.
Comment: KISS1R: BP4, BP7

GeneDx
Classification: Likely benign. Last evaluated: 2020-06-24. Review status: criteria provided, single submitter. Criteria: GeneDx Variant Classification Process June 2021. Collection method: clinical testing. Allele origin: germline. Affected: yes.